The following is an entry in ClinVar:

ClinVar aggregate classification (germline): Pathogenic/Likely pathogenic. Review status: criteria provided, multiple submitters, no conflicts (2 of 4 stars). 4 submissions from 4 submitters: Pathogenic (2); Likely pathogenic (1). 1 of the submissions does not count toward it. Last evaluated 2026-01-11.

Conditions:
Epidermolysis bullosa simplex 1A, generalized severe (EBS1A). Also called: Epidermolysis bullosa simplex Dowling-Meara type. Identifiers: Orphanet 79396, MedGen C0079295, MONDO:0007550, OMIM 131760.

Submissions (4):

Labcorp Genetics (formerly Invitae), Labcorp
Classification: Pathogenic. Last evaluated: 2026-01-11. Review status: criteria provided, single submitter. Criteria: Invitae Variant Classification Sherloc (09022015). Collection method: clinical testing. Allele origin: germline.
Comment: This sequence change replaces asparagine, which is neutral and polar, with lysine, which is basic and polar, at codon 193 of the KRT5 protein (p.Asn193Lys). This variant is not present in population databases (gnomAD no frequency). This missense change has been observed in individuals with autosomal dominant epidermolysis bullosa simplex (PMID: 8807337, 17039244, 21623745, 26707537). ClinVar contains an entry for this variant (Variation ID: 66273). Invitae Evidence Modeling of protein sequence and biophysical properties (such as structural, functional, and spatial information, amino acid conservation, physicochemical variation, residue mobility, and thermodynamic stability) has been performed for this missense variant. However, the output from this modeling did not meet the statistical confidence thresholds required to predict the impact of this variant on KRT5 protein function. Experimental studies have shown that this missense change affects KRT5 function (PMID: 21716320). For these reasons, this variant has been classified as Pathogenic.

GeneDx
Classification: Pathogenic. Last evaluated: 2025-01-15. Review status: criteria provided, single submitter. Criteria: GeneDx Variant Classification Process June 2021. Collection method: clinical testing. Allele origin: germline. Affected: yes.
Comment: Located in the highly conserved 1A domain, which is intolerant to change; variants in this motif interfere with proper keratin intermediate filament assembly and function, resulting in skin fragility and/or hyperkeratosis (PMID: 21176769); Not observed at significant frequency in large population cohorts (gnomAD); In silico analysis supports that this missense variant has a deleterious effect on protein structure/function; This variant is associated with the following publications: (PMID: 20199538, 26707537, 21176769)

Mendelics
Classification: Likely pathogenic for Epidermolysis bullosa simplex 1A, generalized severe. Last evaluated: 2022-05-04. Review status: criteria provided, single submitter. Criteria: Mendelics Assertion Criteria 2019. Collection method: clinical testing. Allele origin: germline.

Epithelial Biology;  Institute of Medical Biology, Singapore
No classification provided. Review status: no classification provided. Collection method: not provided. Allele origin: not provided. Not counted in ClinVar's aggregate classification.

Literature cited by the submitters: PubMed 8807337 (cited by Labcorp Genetics (formerly Invitae), Labcorp); PubMed 17039244 (cited by Labcorp Genetics (formerly Invitae), Labcorp); PubMed 21623745 (cited by Labcorp Genetics (formerly Invitae), Labcorp); PubMed 26707537 (cited by Labcorp Genetics (formerly Invitae), Labcorp); PubMed 21716320 (cited by Labcorp Genetics (formerly Invitae), Labcorp).

NM_000424.4(KRT5):c.579C>A (p.Asn193Lys)

Genes: KRT5 (keratin 5; minus strand), LOC126861526 (BRD4-independent group 4 enhancer GRCh37_chr12:52912066-52913265; plus strand). Cytogenetic location: 12q13.13.
Variant type: single nucleotide variant.
Coding change: c.579C>A on transcript NM_000424.4 (MANE Select); coding-DNA position 579, C replaced by A.
Protein change: p.Asn193Lys; replaces asparagine 193 with lysine.
Molecular consequence: missense variant.
Genome position (GRCh38, 1-based): chr12:52,519,137, G>T on the plus strand (C>A on the coding strand, the complement: KRT5 is on the minus strand). VCF-style: chr12-52519137-G-T. GRCh37 (hg19) VCF-style: chr12-52912921-G-T.
Other names: short protein forms N193K.
Identifiers: ClinVar variation 66273 (VCV000066273.4), dbSNP rs60586163, ClinGen allele CA216772.